The following is an entry in ClinVar:

NM_000297.4(PKD2):c.73G>C (p.Asp25His)

Genes: PKD2 (polycystin 2, transient receptor potential cation channel; plus strand), LOC129992813 (ATAC-STARR-seq lymphoblastoid silent region 15559; plus strand). Cytogenetic location: 4q22.1.
Variant type: single nucleotide variant.
Coding change: c.73G>C on transcript NM_000297.4 (MANE Select); coding-DNA position 73, G replaced by C.
Protein change: p.Asp25His; replaces aspartic acid 25 with histidine.
Molecular consequence: missense variant. On other transcripts: non-coding transcript variant (1).
Genome position (GRCh38, 1-based): chr4:88,007,806, G>C. VCF-style: chr4-88007806-G-C. GRCh37 (hg19) VCF-style: chr4-88928958-G-C.
Other names: short protein forms D25H.
Identifiers: ClinVar variation 2695968 (VCV002695968.3), dbSNP rs2476356623, ClinGen allele CA357625028.

ClinVar aggregate classification (germline): Uncertain significance (1 of 4 stars; one submission).

Conditions:
Autosomal dominant polycystic kidney disease. Identifiers: Orphanet 730, MedGen C0085413, MONDO:0004691.

Submission:

Labcorp Genetics (formerly Invitae), Labcorp
Classification: Uncertain significance for Autosomal dominant polycystic kidney disease. Last evaluated: 2024-12-10. Review status: criteria provided, single submitter. Criteria: Invitae Variant Classification Sherloc (09022015). Collection method: clinical testing. Allele origin: germline.
Comment: This sequence change replaces aspartic acid, which is acidic and polar, with histidine, which is basic and polar, at codon 25 of the PKD2 protein (p.Asp25His). This variant is not present in population databases (gnomAD no frequency). This variant has not been reported in the literature in individuals affected with PKD2-related conditions. ClinVar contains an entry for this variant (Variation ID: 2695968). An algorithm developed to predict the effect of missense changes on protein structure and function (PolyPhen-2) suggests that this variant is likely to be tolerated. In summary, the available evidence is currently insufficient to determine the role of this variant in disease. Therefore, it has been classified as a Variant of Uncertain Significance.